The following is an entry in ClinVar:

ClinVar aggregate classification (germline): Uncertain significance (1 of 4 stars; one submission).

Submission:

Labcorp Genetics (formerly Invitae), Labcorp
Classification: Uncertain significance. Last evaluated: 2024-02-13. Review status: criteria provided, single submitter. Criteria: Invitae Variant Classification Sherloc (09022015). Collection method: clinical testing. Allele origin: germline.
Comment: This sequence change replaces alanine, which is neutral and non-polar, with serine, which is neutral and polar, at codon 329 of the KCNQ5 protein (p.Ala329Ser). This variant is not present in population databases (gnomAD no frequency). This variant has not been reported in the literature in individuals affected with KCNQ5-related conditions. Advanced modeling of protein sequence and biophysical properties (such as structural, functional, and spatial information, amino acid conservation, physicochemical variation, residue mobility, and thermodynamic stability) performed at Invitae indicates that this missense variant is not expected to disrupt KCNQ5 protein function with a negative predictive value of 80%. In summary, the available evidence is currently insufficient to determine the role of this variant in disease. Therefore, it has been classified as a Variant of Uncertain Significance.

NM_019842.4(KCNQ5):c.985G>T (p.Ala329Ser)

Gene: KCNQ5 (potassium voltage-gated channel subfamily Q member 5; plus strand). Cytogenetic location: 6q13.
Variant type: single nucleotide variant.
Coding change: c.985G>T on transcript NM_019842.4 (MANE Select); coding-DNA position 985, G replaced by T.
Protein change: p.Ala329Ser; replaces alanine 329 with serine.
Molecular consequence: missense variant.
Genome position (GRCh38, 1-based): chr6:73,105,323, G>T. VCF-style: chr6-73105323-G-T. GRCh37 (hg19) VCF-style: chr6-73815046-G-T.
Other names: c.985G>T, p.Ala329Ser (NM_001160130.2, NM_001160132.2, NM_001160133.2 and 1 more transcripts); short protein forms A329S.
Identifiers: ClinVar variation 3638623 (VCV003638623.2).